The following is an entry in ClinVar:

NM_000384.3(APOB):c.11764C>T (p.Gln3922Ter)

Gene: APOB (apolipoprotein B; minus strand). Cytogenetic location: 2p24.1.
Variant type: single nucleotide variant.
Coding change: c.11764C>T on transcript NM_000384.3 (MANE Select); coding-DNA position 11764, C replaced by T.
Protein change: p.Gln3922Ter; replaces glutamine 3922 with a stop codon.
Molecular consequence: nonsense.
Genome position (GRCh38, 1-based): chr2:21,005,104, G>A on the plus strand (C>T on the coding strand, the complement: APOB is on the minus strand). VCF-style: chr2-21005104-G-A. GRCh37 (hg19) VCF-style: chr2-21227976-G-A.
Other names: short protein forms Q3922*.
Identifiers: ClinVar variation 951011 (VCV000951011.10), dbSNP rs778476070, ClinGen allele CA345977374.
Genomic context (GRCh38, chr2:21,005,104, plus strand): 5'-TACAGTATCTAGGAGAGGAGGCAGGATATTTCTTACCATTTAGTTCATATTCTAGGAACT[G>A]TACGGTTGAGCTGCATGTGGAATCCAGGACTGTTTCAACATAATCTGCTTTGTTTTTCAA-3'

ClinVar aggregate classification (germline): Pathogenic (1 of 4 stars; one submission).

Conditions:
Familial hypobetalipoproteinemia 1. Also called: APOB-Related Familial Hypobetalipoproteinemia; Hypobetalipoproteinemia, normotriglyceridemic; Acanthocytosis with hypobetalipoproteinemia. Identifiers: MedGen C4551990, MONDO:0014252, OMIM 615558.
Hypercholesterolemia, autosomal dominant, type B (FHCL2). Also called: Familial Hypercholesterolemia Type B; APOLIPOPROTEIN B-100, FAMILIAL DEFECTIVE; APOLIPOPROTEIN B-100, FAMILIAL LIGAND-DEFECTIVE; APOB-Related Familial Hypercholesterolemia, Autosomal Dominant; Familial hypercholesterolemia 2; Hyperlipoproteinemia Type IIb. Identifiers: MedGen C1704417, MONDO:0007751, OMIM 144010.

Submission:

Labcorp Genetics (formerly Invitae), Labcorp
Classification: Pathogenic for Familial hypobetalipoproteinemia 1; Hypercholesterolemia, autosomal dominant, type B. Last evaluated: 2025-10-21. Review status: criteria provided, single submitter. Criteria: Invitae Variant Classification Sherloc (09022015). Collection method: clinical testing. Allele origin: germline.
Comment: This sequence change creates a premature translational stop signal (p.Gln3922*) in the APOB gene. It is expected to result in an absent or disrupted protein product. Loss-of-function variants in APOB are known to be pathogenic (PMID: 20032471). This variant is not present in population databases (gnomAD no frequency). This variant has not been reported in the literature in individuals affected with APOB-related conditions. ClinVar contains an entry for this variant (Variation ID: 951011). For these reasons, this variant has been classified as Pathogenic.

Literature cited by the submitters: PubMed 20032471.